The following is an entry in ClinVar:

NM_006254.4(PRKCD):c.647G>A (p.Arg216Gln)

Gene: PRKCD (protein kinase C delta; plus strand). Cytogenetic location: 3p21.1.
Variant type: single nucleotide variant.
Coding change: c.647G>A on transcript NM_006254.4 (MANE Select); coding-DNA position 647, G replaced by A.
Protein change: p.Arg216Gln; replaces arginine 216 with glutamine.
Molecular consequence: missense variant.
Genome position (GRCh38, 1-based): chr3:53,183,196, G>A. VCF-style: chr3-53183196-G-A. GRCh37 (hg19) VCF-style: chr3-53217212-G-A.
Other names: c.647G>A, p.Arg216Gln (NM_001316327.2, NM_001354679.2, NM_001354680.2 and 1 more transcripts); c.704G>A, p.Arg235Gln (NM_001354676.2); c.695G>A, p.Arg232Gln (NM_001354678.2); short protein forms R216Q, R232Q, R235Q.
Identifiers: ClinVar variation 1025558 (VCV001025558.3), dbSNP rs782428011, ClinGen allele CA2451905.

ClinVar aggregate classification (germline): Uncertain significance (1 of 4 stars; one submission).

Conditions:
Autoimmune lymphoproliferative syndrome, type III caused by mutation in PRKCD. Identifiers: Orphanet 3261, Orphanet 664711, MedGen C3809928, MONDO:8000024, OMIM 615559.

Allele frequency attached by ClinVar (database versions not stated): gnomAD exomes 0.00001; TOPMed below 0.00001; ExAC 0.00001; gnomAD 0.00002.
gnomAD v4.1: 16 of 1,613,976 alleles (0.00099%); highest among the groups gnomAD compares: African/African-American, 0.0027%; no homozygotes.

Submission:

Labcorp Genetics (formerly Invitae), Labcorp
Classification: Uncertain significance for Autoimmune lymphoproliferative syndrome, type III caused by mutation in PRKCD. Last evaluated: 2020-09-09. Review status: criteria provided, single submitter. Criteria: Invitae Variant Classification Sherloc (09022015). Collection method: clinical testing. Allele origin: germline.
Comment: Algorithms developed to predict the effect of missense changes on protein structure and function (SIFT, PolyPhen-2, Align-GVGD) all suggest that this variant is likely to be disruptive, but these predictions have not been confirmed by published functional studies and their clinical significance is uncertain. In summary, the available evidence is currently insufficient to determine the role of this variant in disease. Therefore, it has been classified as a Variant of Uncertain Significance. This sequence change replaces arginine with glutamine at codon 216 of the PRKCD protein (p.Arg216Gln). The arginine residue is highly conserved and there is a small physicochemical difference between arginine and glutamine. This variant is present in population databases (rs782428011, ExAC 0.02%). This variant has not been reported in the literature in individuals with PRKCD-related conditions.